The following is an entry in ClinVar:

NM_001384474.1(LOXHD1):c.1168C>T (p.Gln390Ter)

Gene: LOXHD1 (lipoxygenase homology PLAT domains 1; minus strand). Cytogenetic location: 18q21.1.
Variant type: single nucleotide variant.
Coding change: c.1168C>T on transcript NM_001384474.1 (MANE Select); coding-DNA position 1168, C replaced by T.
Protein change: p.Gln390Ter; replaces glutamine 390 with a stop codon.
Molecular consequence: nonsense.
Genome position (GRCh38, 1-based): chr18:46,594,433, G>A on the plus strand (C>T on the coding strand, the complement: LOXHD1 is on the minus strand). VCF-style: chr18-46594433-G-A. GRCh37 (hg19) VCF-style: chr18-44174396-G-A.
Other names: c.1168C>T, p.Gln390Ter (NM_144612.7); short protein forms Q390*.
Identifiers: ClinVar variation 1451871 (VCV001451871.6), dbSNP rs2038226312, ClinGen allele CA402381150.

ClinVar aggregate classification (germline): Pathogenic (1 of 4 stars; one submission).

Submission:

Labcorp Genetics (formerly Invitae), Labcorp
Classification: Pathogenic. Last evaluated: 2023-06-03. Review status: criteria provided, single submitter. Criteria: Invitae Variant Classification Sherloc (09022015). Collection method: clinical testing. Allele origin: germline.
Comment: This variant is not present in population databases (gnomAD no frequency). This variant has not been reported in the literature in individuals affected with LOXHD1-related conditions. This sequence change creates a premature translational stop signal (p.Gln390*) in the LOXHD1 gene. It is expected to result in an absent or disrupted protein product. Loss-of-function variants in LOXHD1 are known to be pathogenic (PMID: 19732867, 21465660, 25792669). ClinVar contains an entry for this variant (Variation ID: 1451871). For these reasons, this variant has been classified as Pathogenic.

Literature cited by the submitters: PubMed 19732867; PubMed 21465660; PubMed 25792669.